The following is an entry in ClinVar:

NM_000179.3(MSH6):c.3360G>A (p.Glu1120=)

Gene: MSH6 (mutS homolog 6; plus strand). Cytogenetic location: 2p16.3.
Variant type: single nucleotide variant.
Coding change: c.3360G>A on transcript NM_000179.3 (MANE Select); coding-DNA position 3360, G replaced by A.
Protein change: p.Glu1120=; no amino-acid change (glutamic acid 1120 retained).
Molecular consequence: synonymous variant.
Genome position (GRCh38, 1-based): chr2:47,803,607, G>A. VCF-style: chr2-47803607-G-A. GRCh37 (hg19) VCF-style: chr2-48030746-G-A.
Other names: c.2970G>A, p.Glu990= (NM_001281492.2); c.2454G>A, p.Glu818= (NM_001281493.2, NM_001281494.2).
Identifiers: ClinVar variation 455251 (VCV000455251.15), dbSNP rs146737457, ClinGen allele CA46716050.
Genomic context (GRCh38, chr2:47,803,607, plus strand): 5'-GAAGACTTTTTTTGGAGATGATTTTATTCCTAATGACATTCTAATAGGCTGTGAGGAAGA[G>A]GAGCAGGAAAATGGCAAAGCCTATTGTGTGCTTGTTACTGGACCAAATATGGGGGGCAAG-3'
Protein context (NP_000170.1, residues 1110-1130): PNDILIGCEE[Glu1120=]EQENGKAYCV

ClinVar aggregate classification (germline): Benign/Likely benign. Review status: criteria provided, multiple submitters, no conflicts (2 of 4 stars). 3 submissions from 3 submitters: Benign (1); Likely benign (2). Last evaluated 2025-10-19.

Conditions:
Hereditary nonpolyposis colorectal neoplasms. Identifiers: MedGen C0009405, MeSH D003123.
Hereditary cancer-predisposing syndrome. Also called: Hereditary Cancer Syndrome; Hereditary neoplastic syndrome; Neoplastic Syndromes, Hereditary; Tumor predisposition. Identifiers: Orphanet 140162, MedGen C0027672, MeSH D009386, MONDO:0015356.
Lynch syndrome 5 (LYNCH5). Also called: Hereditary non-polyposis colorectal cancer, type 5; Colorectal cancer, hereditary nonpolyposis, type 5. Identifiers: Orphanet 144, MedGen C1833477, MONDO:0013710, OMIM 614350. Disease mechanism: loss of function.

Allele frequency attached by ClinVar (database versions not stated): gnomAD exomes below 0.00001; gnomAD 0.00001; TOPMed 0.00001.
gnomAD v4.1: 5 of 1,614,056 alleles (0.00031%); highest among the groups gnomAD compares: Non-Finnish European, 0.00042%; no homozygotes.

Submissions (3):

Labcorp Genetics (formerly Invitae), Labcorp
Classification: Likely benign for Hereditary nonpolyposis colorectal neoplasms. Last evaluated: 2025-10-19. Review status: criteria provided, single submitter. Criteria: Invitae Variant Classification Sherloc (09022015). Collection method: clinical testing. Allele origin: germline.

Myriad Genetics, Inc.
Classification: Benign for Lynch syndrome 5. Last evaluated: 2025-01-06. Review status: criteria provided, single submitter. Criteria: Myriad Autosomal Dominant, Autosomal Recessive and X-Linked Classification Criteria (2023). Collection method: clinical testing. Allele origin: unknown.
Comment: This variant is considered benign. This variant is a silent/synonymous amino acid change and it is not expected to impact splicing.

Ambry Genetics
Classification: Likely benign for Hereditary cancer-predisposing syndrome. Last evaluated: 2015-10-07. Review status: criteria provided, single submitter. Criteria: Ambry Variant Classification Scheme 2023. Collection method: clinical testing. Allele origin: germline.